The following is an entry in ClinVar:

NM_000136.3(FANCC):c.509A>G (p.Asn170Ser)

Gene: FANCC (FA complementation group C; minus strand). Cytogenetic location: 9q22.32.
Variant type: single nucleotide variant.
Coding change: c.509A>G on transcript NM_000136.3 (MANE Select); coding-DNA position 509, A replaced by G.
Protein change: p.Asn170Ser; replaces asparagine 170 with serine.
Molecular consequence: missense variant.
Genome position (GRCh38, 1-based): chr9:95,171,091, T>C on the plus strand (A>G on the coding strand, the complement: FANCC is on the minus strand). VCF-style: chr9-95171091-T-C. GRCh37 (hg19) VCF-style: chr9-97933373-T-C.
Other names: c.509A>G, p.Asn170Ser (NM_001243743.2, NM_001243744.2); short protein forms N170S.
Identifiers: ClinVar variation 409660 (VCV000409660.17), dbSNP rs749322338, ClinGen allele CA5137718.

ClinVar aggregate classification (germline): Uncertain significance. Review status: criteria provided, multiple submitters, no conflicts (2 of 4 stars). 7 submissions from 7 submitters: Uncertain significance (6). 1 of the submissions does not count toward it. Last evaluated 2025-11-22.

Conditions:
Fanconi anemia (FA). Also called: Fanconi's anemia. Identifiers: Orphanet 84, MedGen C0015625, MeSH D005199, MONDO:0019391.
Fanconi anemia complementation group C (FANCC). Also called: FANCONI PANCYTOPENIA, TYPE 3; FACC; FANCC-Related Fanconi Anemia; Fanconi anemia, group C. Identifiers: Orphanet 84, MedGen C3468041, MONDO:0009213, OMIM 227645.
Hereditary cancer-predisposing syndrome. Also called: Tumor predisposition; Hereditary Cancer Syndrome; Hereditary neoplastic syndrome; Neoplastic Syndromes, Hereditary. Identifiers: Orphanet 140162, MedGen C0027672, MeSH D009386, MONDO:0015356.

Allele frequency attached by ClinVar (database versions not stated): gnomAD exomes below 0.00001; ExAC 0.00001.
gnomAD v4.1: 7 of 1,613,158 alleles (0.00043%); highest among the groups gnomAD compares: Middle Eastern, 0.017%; no homozygotes.

Submissions (7):

Labcorp Genetics (formerly Invitae), Labcorp
Classification: Uncertain significance for Fanconi anemia. Last evaluated: 2025-11-22. Review status: criteria provided, single submitter. Criteria: Invitae Variant Classification Sherloc (09022015). Collection method: clinical testing. Allele origin: germline.
Comment: This sequence change replaces asparagine, which is neutral and polar, with serine, which is neutral and polar, at codon 170 of the FANCC protein (p.Asn170Ser). This variant is present in population databases (rs749322338, gnomAD 0.0009%). This variant has not been reported in the literature in individuals affected with FANCC-related conditions. ClinVar contains an entry for this variant (Variation ID: 409660). Invitae Evidence Modeling of protein sequence and biophysical properties (such as structural, functional, and spatial information, amino acid conservation, physicochemical variation, residue mobility, and thermodynamic stability) indicates that this missense variant is not expected to disrupt FANCC protein function with a negative predictive value of 80%. In summary, the available evidence is currently insufficient to determine the role of this variant in disease. Therefore, it has been classified as a Variant of Uncertain Significance.

Ambry Genetics
Classification: Uncertain significance for Hereditary cancer-predisposing syndrome. Last evaluated: 2025-11-19. Review status: criteria provided, single submitter. Criteria: Ambry Variant Classification Scheme 2023. Collection method: clinical testing. Allele origin: germline.
Comment: The p.N170S variant (also known as c.509A>G), located in coding exon 5 of the FANCC gene, results from an A to G substitution at nucleotide position 509. The asparagine at codon 170 is replaced by serine, an amino acid with highly similar properties. This amino acid position is well conserved in available vertebrate species. In addition, this alteration is predicted to be tolerated by in silico analysis. Since supporting evidence is limited at this time, the clinical significance of this alteration remains unclear.

GeneDx
Classification: Uncertain significance. Last evaluated: 2024-02-28. Review status: criteria provided, single submitter. Criteria: GeneDx Variant Classification Process June 2021. Collection method: clinical testing. Allele origin: germline. Affected: yes.
Comment: Not observed at significant frequency in large population cohorts (gnomAD); In silico analysis supports that this missense variant does not alter protein structure/function; Has not been previously published as pathogenic or benign to our knowledge; This variant is associated with the following publications: (PMID: 15695377)

Fulgent Genetics
Classification: Uncertain significance for Fanconi anemia complementation group C. Last evaluated: 2024-02-24. Review status: criteria provided, single submitter. Criteria: ACMG Guidelines, 2015. Collection method: clinical testing. Allele origin: germline.

Quest Diagnostics Nichols Institute San Juan Capistrano
Classification: Uncertain significance. Last evaluated: 2023-06-21. Review status: criteria provided, single submitter. Criteria: Quest Diagnostics criteria. Collection method: clinical testing. Allele origin: unknown.
Comment: This variant has not been reported in the published literature. The frequency of this variant in the general population, 0.000004 (1/251178 chromosomes (Genome Aggregation Database)), is uninformative in the assessment of its pathogenicity. Analysis of this variant using bioinformatics tools for the prediction of the effect of amino acid changes on protein structure and function yielded predictions that this variant is benign. Based on the available information, we are unable to determine the clinical significance of this variant.

Genome-Nilou Lab
Classification: Uncertain significance for Fanconi anemia complementation group C. Last evaluated: 2021-07-14. Review status: criteria provided, single submitter. Criteria: ACMG Guidelines, 2015. Collection method: clinical testing. Allele origin: germline. Affected: no.

Natera, Inc.
Classification: Uncertain significance for Fanconi anemia, group C. Last evaluated: 2020-09-16. Review status: no assertion criteria provided. Collection method: clinical testing. Allele origin: germline. Not counted in ClinVar's aggregate classification.